The following is an entry in ClinVar:

NM_152309.3(PIK3AP1):c.2272C>T (p.Arg758Cys)

Gene: PIK3AP1 (phosphoinositide-3-kinase adaptor protein 1; minus strand). Cytogenetic location: 10q24.1.
Variant type: single nucleotide variant.
Coding change: c.2272C>T on transcript NM_152309.3 (MANE Select); coding-DNA position 2272, C replaced by T.
Protein change: p.Arg758Cys; replaces arginine 758 with cysteine.
Molecular consequence: missense variant.
Genome position (GRCh38, 1-based): chr10:96,602,368, G>A on the plus strand (C>T on the coding strand, the complement: PIK3AP1 is on the minus strand). VCF-style: chr10-96602368-G-A. GRCh37 (hg19) VCF-style: chr10-98362125-G-A.
Other names: short protein forms R758C.
Identifiers: ClinVar variation 2907460 (VCV002907460.3), dbSNP rs750819512, ClinGen allele CA5626003.

ClinVar aggregate classification (germline): Uncertain significance (1 of 4 stars; one submission).

Conditions:
Infantile spasms. Also called: Infantile spasm. Identifiers: MedGen C3887898, HP:0012469.

Allele frequency attached by ClinVar (database versions not stated): TOPMed below 0.00001; ExAC 0.00001; gnomAD exomes 0.00001.
gnomAD v4.1: 11 of 1,612,662 alleles (0.00068%); highest among the groups gnomAD compares: Admixed American, 0.0033%; no homozygotes.

Submission:

Labcorp Genetics (formerly Invitae), Labcorp
Classification: Uncertain significance for Infantile spasms. Last evaluated: 2022-11-20. Review status: criteria provided, single submitter. Criteria: Invitae Variant Classification Sherloc (09022015). Collection method: clinical testing. Allele origin: germline.
Comment: In summary, the available evidence is currently insufficient to determine the role of this variant in disease. Therefore, it has been classified as a Variant of Uncertain Significance. Algorithms developed to predict the effect of missense changes on protein structure and function are either unavailable or do not agree on the potential impact of this missense change (SIFT: "Deleterious"; PolyPhen-2: "Benign"; Align-GVGD: "Class C0"). This variant has not been reported in the literature in individuals affected with PIK3AP1-related conditions. This variant is present in population databases (rs750819512, gnomAD 0.004%). This sequence change replaces arginine, which is basic and polar, with cysteine, which is neutral and slightly polar, at codon 758 of the PIK3AP1 protein (p.Arg758Cys).